The following is an entry in ClinVar:

NC_012920.1(MT-ND4):m.12015T>C

Gene: MT-ND4 (mitochondrially encoded NADH dehydrogenase 4; plus strand).
Variant type: single nucleotide variant.
Genome position: chrM-12015-T-C.
Other names: (p.Leu419Pro).
Identifiers: ClinVar variation 805948 (VCV000805948.1), dbSNP rs1603223512, ClinGen allele CA414812101.
Genomic context (GRCh38, chrMT:12,015, plus strand): 5'-ACATACTAGTCACAGCCCTATACTCCCTCTACATATTTACCACAACACAATGGGGCTCAC[T>C]CACCCACCACATTAACAACATAAAACCCTCATTCACACGAGAAAACACCCTCATGTTCAT-3'

ClinVar aggregate classification (germline): Likely benign (1 of 4 stars; one submission).

Conditions:
Seizure. Also called: Seizures. Identifiers: MedGen C0036572, HP:0001250.
Stroke disorder. Also called: Stroke. Identifiers: MedGen C0038454, MeSH D020521, MONDO:0005098, HP:0001297.

Submission:

MGZ Medical Genetics Center
Classification: Likely benign for Seizure; Stroke disorder. Last evaluated: 2019-12-09. Review status: criteria provided, single submitter. Criteria: ACMG Guidelines, 2015. Collection method: clinical testing. Allele origin: unknown. Affected: yes. Observed: 1 variant allele.
Comment: heteroplasmic 10% in blood, BS2+BP4, PMID: 31293567